The following is an entry in ClinVar:

NM_003738.5(PTCH2):c.3054C>T (p.Pro1018=)

Gene: PTCH2 (patched 2; minus strand). Cytogenetic location: 1p34.1.
Variant type: single nucleotide variant.
Coding change: c.3054C>T on transcript NM_003738.5 (MANE Select); coding-DNA position 3054, C replaced by T.
Protein change: p.Pro1018=; no amino-acid change (proline 1018 retained).
Molecular consequence: synonymous variant.
Genome position (GRCh38, 1-based): chr1:44,826,310, G>A on the plus strand (C>T on the coding strand, the complement: PTCH2 is on the minus strand). VCF-style: chr1-44826310-G-A. GRCh37 (hg19) VCF-style: chr1-45291982-G-A.
Other names: c.3054C>T, p.Pro1018= (NM_001166292.2).
Identifiers: ClinVar variation 757782 (VCV000757782.16), dbSNP rs773222322, ClinGen allele CA822820.

ClinVar aggregate classification (germline): Likely benign. Review status: criteria provided, multiple submitters, no conflicts (2 of 4 stars). 2 submissions from 2 submitters: Likely benign (2). Last evaluated 2025-04-01.

Conditions:
Gorlin syndrome. Also called: Nevoid Basal Cell Carcinoma Syndrome; Basal cell nevus syndrome. Identifiers: Orphanet 377, MedGen C0004779, MONDO:0007187.

Allele frequency attached by ClinVar (database versions not stated): gnomAD exomes 0.00001; TOPMed 0.00001; ExAC 0.00002.
gnomAD v4.1: 12 of 1,614,132 alleles (0.00074%); highest among the groups gnomAD compares: Admixed American, 0.0067%; no homozygotes.

Submissions (2):

CeGaT Center for Human Genetics Tuebingen
Classification: Likely benign. Last evaluated: 2025-04-01. Review status: criteria provided, single submitter. Criteria: CeGaT Center For Human Genetics Tuebingen Variant Classification Criteria Version 2. Collection method: clinical testing. Allele origin: germline. Affected: yes. Observed: 1 variant allele.
Comment: PTCH2: BP4, BP7

Labcorp Genetics (formerly Invitae), Labcorp
Classification: Likely benign for Gorlin syndrome. Last evaluated: 2021-10-08. Review status: criteria provided, single submitter. Criteria: Invitae Variant Classification Sherloc (09022015). Collection method: clinical testing. Allele origin: germline.